The following is an entry in ClinVar:

NM_000836.4(GRIN2D):c.749G>A (p.Arg250Gln)

Gene: GRIN2D (glutamate ionotropic receptor NMDA type subunit 2D; plus strand). Cytogenetic location: 19q13.33.
Variant type: single nucleotide variant.
Coding change: c.749G>A on transcript NM_000836.4 (MANE Select); coding-DNA position 749, G replaced by A.
Protein change: p.Arg250Gln; replaces arginine 250 with glutamine.
Molecular consequence: missense variant.
Genome position (GRCh38, 1-based): chr19:48,405,017, G>A. VCF-style: chr19-48405017-G-A. GRCh37 (hg19) VCF-style: chr19-48908274-G-A.
Other names: short protein forms R250Q.
Identifiers: ClinVar variation 1719378 (VCV001719378.5), dbSNP rs1340279718, ClinGen allele CA406692131.

ClinVar aggregate classification (germline): Uncertain significance (1 of 4 stars; one submission).

gnomAD v4.1: 1 of 1,612,292 alleles (0.000062%); no homozygotes.

Submission:

Labcorp Genetics (formerly Invitae), Labcorp
Classification: Uncertain significance. Last evaluated: 2022-09-14. Review status: criteria provided, single submitter. Criteria: Invitae Variant Classification Sherloc (09022015). Collection method: clinical testing. Allele origin: germline.
Comment: This variant is not present in population databases (gnomAD no frequency). This sequence change replaces arginine, which is basic and polar, with glutamine, which is neutral and polar, at codon 250 of the GRIN2D protein (p.Arg250Gln). This variant has not been reported in the literature in individuals affected with GRIN2D-related conditions. Advanced modeling of protein sequence and biophysical properties (such as structural, functional, and spatial information, amino acid conservation, physicochemical variation, residue mobility, and thermodynamic stability) performed at Invitae indicates that this missense variant is not expected to disrupt GRIN2D protein function. In summary, the available evidence is currently insufficient to determine the role of this variant in disease. Therefore, it has been classified as a Variant of Uncertain Significance.